The following is an entry in ClinVar:

ClinVar aggregate classification (germline): Pathogenic. Review status: criteria provided, multiple submitters, no conflicts (2 of 4 stars). 4 submissions from 4 submitters: Pathogenic (4). Last evaluated 2024-06-29.

Conditions:
Joubert syndrome and related disorders. Identifiers: Orphanet 140874, MedGen C5679612, MONDO:0015369.
Joubert syndrome 9 (JBTS9). Identifiers: Orphanet 2318, MedGen C2676788, MONDO:0012849, OMIM 612285.
Inborn genetic diseases. Identifiers: MedGen C0950123, MeSH D030342.
Joubert syndrome. Also called: JOUBERT-BOLTSHAUSER SYNDROME; Familial aplasia of the vermis. Identifiers: Orphanet 475, MedGen C5979921, MONDO:0018772.
Meckel-Gruber syndrome. Also called: DYSENCEPHALIA SPLANCHNOCYSTICA; GRUBER SYNDROME; Dysencephalia splachnocystica. Identifiers: Orphanet 564, MedGen C0265215, MONDO:0018921.

Submissions (4):

Myriad Genetics, Inc.
Classification: Pathogenic for Joubert syndrome and related disorders. Last evaluated: 2024-06-29. Review status: criteria provided, single submitter. Criteria: Myriad Autosomal Dominant, Autosomal Recessive and X-Linked Classification Criteria (2023). Collection method: clinical testing. Allele origin: unknown.
Comment: NM_001080522.2(CC2D2A):c.4256delG(G1419Dfs*9) is expected to be pathogenic in the context of CC2D2A-related disorders. This variant is predicted to lead to an abnormal or absent protein product due to the creation of a premature termination codon in CC2D2A, a gene where loss-of-function variants are known to be pathogenic. Please note: this variant was assessed in the context of healthy population screening.

Labcorp Genetics (formerly Invitae), Labcorp
Classification: Pathogenic for Joubert syndrome; Meckel-Gruber syndrome. Last evaluated: 2024-02-20. Review status: criteria provided, single submitter. Criteria: Invitae Variant Classification Sherloc (09022015). Collection method: clinical testing. Allele origin: germline.
Comment: This sequence change creates a premature translational stop signal (p.Gly1419Aspfs*9) in the CC2D2A gene. It is expected to result in an absent or disrupted protein product. Loss-of-function variants in CC2D2A are known to be pathogenic (PMID: 19777577). This variant is present in population databases (rs772110399, gnomAD 0.0009%). This variant has not been reported in the literature in individuals affected with CC2D2A-related conditions. ClinVar contains an entry for this variant (Variation ID: 1071905). Algorithms developed to predict the effect of sequence changes on RNA splicing suggest that this variant may disrupt the consensus splice site. For these reasons, this variant has been classified as Pathogenic.

Ambry Genetics
Classification: Pathogenic for Inborn genetic diseases. Last evaluated: 2022-02-09. Review status: criteria provided, single submitter. Criteria: Ambry Variant Classification Scheme 2023. Collection method: clinical testing. Allele origin: germline.
Comment: The c.4256delG (p.G1419Dfs*9) alteration, located in exon 34 (coding exon 32) of the CC2D2A gene, consists of a deletion of one nucleotide at position 4256 causing a translational frameshift with a predicted alternate stop codon after 9 amino acids. This alteration is expected to result in loss of function by premature protein truncation or nonsense-mediated mRNA decay. Based on data from gnomAD, this alteration has an overall frequency of <0.01% (1/248408) total alleles studied. Based on the available evidence, this alteration is classified as pathogenic.

Victorian Clinical Genetics Services, Murdoch Childrens Research Institute
Classification: Pathogenic for Joubert syndrome 9. Last evaluated: 2021-05-06. Review status: criteria provided, single submitter. Criteria: ACMG Guidelines, 2015. Collection method: clinical testing. Allele origin: germline. Inheritance: Autosomal recessive inheritance.
Comment: Based on the classification scheme VCGS_Germline_v1.3.4, this variant is classified as Pathogenic. Following criteria are met: 0102 - Loss of function is a known mechanism of disease in this gene and is associated with CC2D2A-related ciliopathy. (I) 0106 - This gene is associated with autosomal recessive disease. (I) 0201 - Variant is predicted to cause nonsense-mediated decay (NMD) and loss of protein (premature termination codon is located at least 54 nucleotides upstream of the final exon-exon junction). (SP) 0251 - This variant is heterozygous. (I) 0304 - Variant is present in gnomAD <0.01 for a recessive condition (v3: 2 heterozygotes, 0 homozygotes). (SP) 0701 - Other NMD-predicted variants comparable to the one identified in this case have very strong previous evidence for pathogenicity. Several NMD-predicted variants have been reported in patients with CC2D2A-related disorders (ClinVar). (SP) 0807 - This variant has no previous evidence of pathogenicity. (I) 0905 - No published segregation evidence has been identified for this variant. (I) 1007 - No published functional evidence has been identified for this variant. (I) 1201 - Heterozygous variant detected in trans with a second pathogenic heterozygous variant (NM_001080522.2:c.4179+1del; p.?) in a recessive disease. (I) Legend: (SP) - Supporting pathogenic, (I) - Information, (SB) - Supporting benign

Literature cited by the submitters: PubMed 19777577 (cited by Labcorp Genetics (formerly Invitae), Labcorp).

NM_001378615.1(CC2D2A):c.4256del (p.Gly1419fs)

Genes: CC2D2A (coiled-coil and C2 domain containing 2A; plus strand), FBXL5 (F-box and leucine rich repeat protein 5; minus strand). Cytogenetic location: 4p15.32.
Variant type: Deletion.
Coding change: c.4256del on transcript NM_001378615.1 (MANE Select); coding-DNA position 4256, one base deleted (G; older notation c.4256delG).
Protein change: p.Gly1419fs; shifts the reading frame from glycine 1419.
Molecular consequence: frameshift variant.
Genome position (GRCh38, 1-based): chr4:15,589,621, G deleted; the last of 2 consecutive G bases (chr4:15,589,620-15,589,621); deleting either gives the same sequence. VCF-style (leftmost placement, unchanged base first): chr4-15589619-TG-T. GRCh37 (hg19) VCF-style: chr4-15591242-TG-T.
Other names: c.4256del, p.Gly1419fs (NM_001080522.2); c.4109del, p.Gly1370fs (NM_001378617.1); c.4256delG (NM_001080522.2); short protein forms G1370fs, G1419fs.
Identifiers: ClinVar variation 1071905 (VCV001071905.11), dbSNP rs772110399, ClinGen allele CA2864362.
Genomic context (GRCh38, chr4:15,589,619, plus strand): 5'-TGTGCTAACTTGGGAGCAAGGTCGTTATTTAATATGGAATCCCTGCAGTGGACATTTTTA[TG>T]GACAATTTGATACATTCTGTCCCTTGAAAAATGTGGGCTGTTTAATAGGTCCTGACAATG-3'